The following is an entry in ClinVar:

NM_001367721.1(CASK):c.2040-17C>A

Gene: CASK (calcium/calmodulin dependent serine protein kinase; minus strand). Cytogenetic location: Xp11.4.
Variant type: single nucleotide variant.
Coding change: c.2040-17C>A on transcript NM_001367721.1 (MANE Select); 17 bases into the intron before coding-DNA position 2040, C replaced by A.
Molecular consequence: intron variant.
Genome position (GRCh38, 1-based): chrX:41,542,823, G>T on the plus strand (C>A on the coding strand, the complement: CASK is on the minus strand). VCF-style: chrX-41542823-G-T. GRCh37 (hg19) VCF-style: chrX-41402076-G-T.
Other names: c.1953-17C>A (NM_001126055.3); c.2022-17C>A (NM_001410745.1); c.1971-17C>A (NM_001126054.3); c.2040-17C>A (NM_003688.4).
Identifiers: ClinVar variation 514514 (VCV000514514.9), dbSNP rs375693462, ClinGen allele CA10390085.

ClinVar aggregate classification (germline): Benign/Likely benign. Review status: criteria provided, multiple submitters, no conflicts (2 of 4 stars). 2 submissions from 2 submitters: Benign (1); Likely benign (1). Last evaluated 2025-06-26.

Conditions:
Intellectual disability, CASK-related, X-linked. Identifiers: MedGen CN043158.

Allele frequency attached by ClinVar (database versions not stated): TOPMed 0.00011; gnomAD exomes 0.00013; ExAC 0.00015; gnomAD 0.00020; ESP Exome Variant Server 0.00028.
gnomAD v4.1: 108 of 962,432 alleles (0.011%); highest among the groups gnomAD compares: South Asian, 0.045%; no homozygotes.

Submissions (2):

Labcorp Genetics (formerly Invitae), Labcorp
Classification: Benign for Intellectual disability, CASK-related, X-linked. Last evaluated: 2025-06-26. Review status: criteria provided, single submitter. Criteria: Invitae Variant Classification Sherloc (09022015). Collection method: clinical testing. Allele origin: germline.

GeneDx
Classification: Likely benign. Last evaluated: 2018-01-08. Review status: criteria provided, single submitter. Criteria: GeneDx Variant Classification (06012015). Collection method: clinical testing. Allele origin: germline. Affected: yes.
Comment: This variant is considered likely benign or benign based on one or more of the following criteria: it is a conservative change, it occurs at a poorly conserved position in the protein, it is predicted to be benign by multiple in silico algorithms, and/or has population frequency not consistent with disease.